The following is an entry in ClinVar:

ClinVar aggregate classification (germline): Pathogenic (1 of 4 stars; one submission).

Conditions:
Deficiency of adenosine deaminase 2. Also called: Adenosine Deaminase 2 Deficiency; VASCULITIS, AUTOINFLAMMATION, IMMUNODEFICIENCY, AND HEMATOLOGIC DEFECTS SYNDROME; Polyarteritis nodosa, childhoood-onset. Identifiers: Orphanet 404553, MedGen C3887654, MONDO:0014306, OMIM 615688, MONDO:0100317.

Submission:

Labcorp Genetics (formerly Invitae), Labcorp
Classification: Pathogenic for Deficiency of adenosine deaminase 2. Last evaluated: 2022-08-12. Review status: criteria provided, single submitter. Criteria: Invitae Variant Classification Sherloc (09022015). Collection method: clinical testing. Allele origin: germline.
Comment: This variant is not present in population databases (gnomAD no frequency). This sequence change creates a premature translational stop signal (p.Pro352Leufs*16) in the ADA2 gene. It is expected to result in an absent or disrupted protein product. Loss-of-function variants in ADA2 are known to be pathogenic (PMID: 24552284, 24552285). For these reasons, this variant has been classified as Pathogenic. This variant has not been reported in the literature in individuals affected with ADA2-related conditions.

Literature cited by the submitters: PubMed 24552284; PubMed 24552285.

NM_001282225.2(ADA2):c.1055del (p.Pro352fs)

Gene: ADA2 (adenosine deaminase 2; minus strand). Cytogenetic location: 22q11.1.
Variant type: Deletion.
Coding change: c.1055del on transcript NM_001282225.2 (MANE Select); coding-DNA position 1055, one base deleted (C; older notation c.1055delC).
Protein change: p.Pro352fs; shifts the reading frame from proline 352.
Molecular consequence: frameshift variant.
Genome position (GRCh38, 1-based): chr22:17,188,365, G deleted on the plus strand (C on the coding strand, the reverse complement: ADA2 is on the minus strand); the first of 2 consecutive G bases (chr22:17,188,365-17,188,366); deleting either gives the same sequence. VCF-style (leftmost placement, unchanged base first): chr22-17188364-AG-A. GRCh37 (hg19) VCF-style: chr22-17669254-AG-A.
Other names: c.1055del, p.Pro352fs (NM_001282226.2); c.929del, p.Pro310fs (NM_001282227.2, NM_001282228.2); c.695del, p.Pro232fs (NM_001282229.2); c.332del, p.Pro111fs (NM_177405.3); short protein forms P232fs, P352fs, P310fs, P111fs.
Identifiers: ClinVar variation 2023773 (VCV002023773.4), dbSNP rs2517294264, ClinGen allele CA2580099072.
Genomic context (GRCh38, chr22:17,188,364, plus strand): 5'-CCTCCGCTGCCTCTGCTCGCATCCCGCAGGCTCACCTGTTTCTCCGGCGTGGAAGAAGTA[AG>A]GCAGCTTAACGCCATCCTTGGCGGGGATCATCAGAGCTTCCTTGTAGTCATGCAAGGAGT-3'